The following is an entry in ClinVar:

ClinVar aggregate classification (germline): Uncertain significance. Review status: criteria provided, single submitter (1 of 4 stars). 3 submissions from 3 submitters: Uncertain significance (1). 2 of the submissions do not count toward it. Last evaluated 2022-05-18.

Conditions:
Zellweger spectrum disorders (ZS). Also called: Zellweger syndrome; Zellweger Spectrum Disorder (ZSD); Zellweger Spectrum Disorder; Zellweger Spectrum. Identifiers: Orphanet 912, MedGen C0043459, MONDO:0019609.
Retinal dystrophy. Also called: Inherited retinal dystrophy. Identifiers: Orphanet 71862, MedGen C0854723, MeSH D058499, MONDO:0019118, HP:0000556.

Allele frequency attached by ClinVar (database versions not stated): gnomAD 0.00001 and 0.00003; TOPMed 0.00002; gnomAD exomes 0.00006; ExAC 0.00007; 1000 Genomes Project 30x 0.00016; 1000 Genomes Project 0.00020.
gnomAD v4.1: 80 of 1,613,518 alleles (0.005%); highest among the groups gnomAD compares: East Asian, 0.016%; no homozygotes.

Submissions (3):

Labcorp Genetics (formerly Invitae), Labcorp
Classification: Uncertain significance for Zellweger spectrum disorders. Last evaluated: 2022-05-18. Review status: criteria provided, single submitter. Criteria: Invitae Variant Classification Sherloc (09022015). Collection method: clinical testing. Allele origin: germline.
Comment: This sequence change replaces valine, which is neutral and non-polar, with isoleucine, which is neutral and non-polar, at codon 564 of the PEX1 protein (p.Val564Ile). This variant is present in population databases (rs183965018, gnomAD 0.02%). This variant has not been reported in the literature in individuals affected with PEX1-related conditions. ClinVar contains an entry for this variant (Variation ID: 998440). Advanced modeling of protein sequence and biophysical properties (such as structural, functional, and spatial information, amino acid conservation, physicochemical variation, residue mobility, and thermodynamic stability) performed at Invitae indicates that this missense variant is not expected to disrupt PEX1 protein function. In summary, the available evidence is currently insufficient to determine the role of this variant in disease. Therefore, it has been classified as a Variant of Uncertain Significance.

Institute of Human Genetics, Univ. Regensburg, Univ. Regensburg
Classification: Uncertain significance for Retinal dystrophy. Last evaluated: 2022-01-01. Review status: no assertion criteria provided. Criteria: ACMG Guidelines, 2015. Collection method: clinical testing. Allele origin: germline. Affected: yes. Not counted in ClinVar's aggregate classification.

Natera, Inc.
Classification: Uncertain significance for Zellweger syndrome. Last evaluated: 2018-12-04. Review status: no assertion criteria provided. Collection method: clinical testing. Allele origin: germline. Not counted in ClinVar's aggregate classification.

NM_000466.3(PEX1):c.1690G>A (p.Val564Ile)

Gene: PEX1 (peroxisomal biogenesis factor 1; minus strand). Cytogenetic location: 7q21.2.
Variant type: single nucleotide variant.
Coding change: c.1690G>A on transcript NM_000466.3 (MANE Select); coding-DNA position 1690, G replaced by A.
Protein change: p.Val564Ile; replaces valine 564 with isoleucine.
Molecular consequence: missense variant.
Genome position (GRCh38, 1-based): chr7:92,507,107, C>T on the plus strand (G>A on the coding strand, the complement: PEX1 is on the minus strand). VCF-style: chr7-92507107-C-T. GRCh37 (hg19) VCF-style: chr7-92136421-C-T.
Other names: c.1690G>A, p.Val564Ile (NM_001282677.2); c.1066G>A, p.Val356Ile (NM_001282678.2); short protein forms V356I, V564I.
Identifiers: ClinVar variation 998440 (VCV000998440.11), dbSNP rs183965018, ClinGen allele CA4341321.